The following is an entry in ClinVar:

NM_000489.6(ATRX):c.7396G>A (p.Gly2466Ser)

Gene: ATRX (ATRX chromatin remodeler; minus strand). Cytogenetic location: Xq21.1.
Variant type: single nucleotide variant.
Coding change: c.7396G>A on transcript NM_000489.6 (MANE Select); coding-DNA position 7396, G replaced by A.
Protein change: p.Gly2466Ser; replaces glycine 2466 with serine.
Molecular consequence: missense variant.
Genome position (GRCh38, 1-based): chrX:77,508,434, C>T on the plus strand (G>A on the coding strand, the complement: ATRX is on the minus strand). VCF-style: chrX-77508434-C-T. GRCh37 (hg19) VCF-style: chrX-76763912-C-T.
Other names: c.7282G>A, p.Gly2428Ser (NM_138270.5); short protein forms G2428S, G2466S.
Identifiers: ClinVar variation 2660954 (VCV002660954.25), dbSNP rs782540364, ClinGen allele CA413703929.

ClinVar aggregate classification (germline): Uncertain significance. Review status: criteria provided, multiple submitters, no conflicts (2 of 4 stars). 2 submissions from 2 submitters: Uncertain significance (2). Last evaluated 2024-09-10.

Allele frequency attached by ClinVar (database versions not stated): gnomAD exomes below 0.00001.
gnomAD v4.1: 2 of 1,210,624 alleles (0.00017%); highest among the groups gnomAD compares: Non-Finnish European, 0.00011%; no homozygotes.

Submissions (2):

Blueprint Genetics
Classification: Uncertain significance. Last evaluated: 2024-09-10. Review status: criteria provided, single submitter. Criteria: ACMG Guidelines, 2015. Collection method: clinical testing. Allele origin: germline.

CeGaT Center for Human Genetics Tuebingen
Classification: Uncertain significance. Last evaluated: 2023-11-01. Review status: criteria provided, single submitter. Criteria: CeGaT Center For Human Genetics Tuebingen Variant Classification Criteria Version 2. Collection method: clinical testing. Allele origin: germline. Affected: yes. Observed: 2 variant alleles.
Comment: ATRX: PM2